The following continues an entry in ClinVar:

NM_004360.5(CDH1):c.1225T>C (p.Trp409Arg)

Gene: CDH1. ClinVar aggregate classification (germline): Likely benign. Likely benign (1).

Submissions 10 to 13 of 13:

Women's Health and Genetics/Laboratory Corporation of America, LabCorp
Classification: Uncertain significance. Last evaluated: 2016-07-01. Review status: criteria provided, single submitter. Criteria: LabCorp Variant Classification Summary - May 2015. Collection method: clinical testing. Allele origin: germline. Not counted in ClinVar's aggregate classification.
Comment: Variant summary: The CDH1 c.1225T>C (p.Trp409Arg) variant involves the alteration of a conserved nucleotide and 4/4 in silico tools utilized predict a damaging outcome for this variant. The residue W409 is found in the third calcium binding domain of the E-cadherin protein at EC2-3 junction, adjacent residue from calcium binding site (Brooks-Wilson_2004, Lee_2014). Consistent with these findings, an in vitro functional study showedthe variant to impact CDH1 functionality by the variant (Brooks-Wilson_2004). This variant was found in 4/121412 control chromosomes, predominantly observed in the European (Non-Finnish) subpopulation at a frequency of 0.0000599 (4/66740 chromosomes). This frequency is about 2.87 times higher than the estimated maximal expected allele frequency of a pathogenic CDH1 variant (0.0000208), suggesting this variant may be a benign polymorphism found primarily in the populations of European (Non-Finnish) origin. However, as CDH1 linked phenotypes (HDGC and HBOC) have generally late-onset (average age of onset >35 years), four individuals with the variant in ExAC may represent reduced penetrance or subclinical cases. This germline variant has been reported in literature in one isolated HDGC patient who also had signet ring cell cancer of the colon (Brooks-Wilson_2004). The patient was also characterized to have promoter methylation + loss of heterozygosity and genotype was considered to be consistent with the phenotype in the patient (Oliveira_2009). Multiple clinical diagnostic laboratories have databases classified this variant as uncertain significance. Taken together, primarily due to some conflicts about pathogenicity of the variant, it is currently classified as Variant of Unknown Significance.

PreventionGenetics, part of Exact Sciences
Classification: Likely benign for CDH1-related condition. Last evaluated: 2020-02-16. Review status: no assertion criteria provided. Collection method: clinical testing. Allele origin: germline. Not counted in ClinVar's aggregate classification.
Comment: This variant is classified as likely benign based on ACMG/AMP sequence variant interpretation guidelines (Richards et al. 2015 PMID: 25741868, with internal and published modifications).

ITMI
No classification provided. Condition: AllHighlyPenetrant. Last evaluated: 2013-09-19. Review status: no classification provided. Collection method: reference population. Allele origin: germline. Not counted in ClinVar's aggregate classification.
Comment: Please see associated publication for description of ethnicities

Department of Pathology and Laboratory Medicine, Sinai Health System
Classification: Uncertain significance for Malignant tumor of breast. Review status: no assertion criteria provided. Collection method: clinical testing. Allele origin: unknown. Affected: yes. Observed: 1 variant allele. Study: The Canadian Open Genetics Repository (COGR). Not counted in ClinVar's aggregate classification.
Comment: The CDH1 p.Trp409Arg variant was identified in 2 of 1448 proband chromosomes (frequency: 0.001) from individuals or families with gastric cancer (Bodian 2014, Brooks-Wilson 2004). The variant was also identified in the following databases: dbSNP (ID: rs587778176) as â€šÃ„ÃºWith Uncertain significance alleleâ€šÃ„Ã¹, in ClinVar (classified as uncertain significance by GeneDx, Ambry Genetics, Invitae, Color Genomics, LCOA clinical laboratory), and Clinvitae. The variant was not identified in Cosmic, MutDB, or the Zhejiang University Database. The variant was identified in control databases in 5 of 246262 chromosomes at a frequency of 0.00002 (Genome Aggregation Database Feb 27, 2017). It was observed in the European population: in 5 of 111712 chromosomes (freq: 0.0001); it was not observed in the African, Other, Latino, Ashkenazi Jewish, East Asian, Finnish, and South Asian populations. The variant is found in the third calcium binding domain of the E-cadherin protein and has been shown to lead to loss-of-function in vitro and increased pathogenicity in vivo (Brooks-Wilson 2004, Simoes_Correia 2012). Another functional assay by Petrova (2016) displayed that the variant has no detectable effect on adhesion activation and behaves like WT E-cadherin under various drug treatments. The p.Trp409 residue is conserved across mammals and other organisms, and computational analyses (PolyPhen-2, SIFT, AlignGVGD, BLOSUM, MutationTaster) suggest that the variant may impact the protein; however, this information is not predictive enough to assume pathogenicity. The variant occurs outside of the splicing consensus sequence and 1 of 5 in silico or computational prediction software programs (SpliceSiteFinder, MaxEntScan, NNSPLICE, GeneSplicer, HumanSpliceFinder) predict a greater than 10% difference in splicing; this is not very predictive of pathogenicity. In summary, based on the above information, the clinical significance of this variant cannot be determined with certainty at this time. This variant is classified as a variant of uncertain significance.

Literature cited by the submitters: PubMed 15235021 (cited by 3 submitters); PubMed 24728327 (cited by 4 submitters); PubMed 33471991 (cited by Sema4); PubMed 27582386 (cited by Sema4 and Ambry Genetics); PubMed 16501831 (cited by Ambry Genetics); PubMed 16787116 (cited by Ambry Genetics); PubMed 16924464 (cited by Ambry Genetics); PubMed 19269290 (cited by Ambry Genetics and Women's Health and Genetics/Laboratory Corporation of America, LabCorp); PubMed 20233471 (cited by Ambry Genetics); PubMed 20373070 (cited by Ambry Genetics); PubMed 22470475 (cited by Ambry Genetics); PubMed 30311375 (cited by Ambry Genetics); PubMed 30661051 (cited by Ambry Genetics); PubMed 24690483 (cited by Women's Health and Genetics/Laboratory Corporation of America, LabCorp).